The following is an entry in ClinVar:

NM_000301.5(PLG):c.848A>G (p.Tyr283Cys)

Gene: PLG (plasminogen; plus strand). Cytogenetic location: 6q26.
Variant type: single nucleotide variant.
Coding change: c.848A>G on transcript NM_000301.5 (MANE Select); coding-DNA position 848, A replaced by G.
Protein change: p.Tyr283Cys; replaces tyrosine 283 with cysteine.
Molecular consequence: missense variant.
Genome position (GRCh38, 1-based): chr6:160,718,354, A>G. VCF-style: chr6-160718354-A-G. GRCh37 (hg19) VCF-style: chr6-161139386-A-G.
Other names: short protein forms Y283C.
Identifiers: ClinVar variation 1339742 (VCV001339742.2), dbSNP rs2115163630, ClinGen allele CA366362601.

ClinVar aggregate classification (germline): Uncertain significance. Review status: criteria provided, multiple submitters, no conflicts (2 of 4 stars). 2 submissions from 2 submitters: Uncertain significance (2). Last evaluated 2022-05-02.

Conditions:
Angioedema, hereditary, 4. Identifiers: MedGen C5543503, MONDO:0025712, OMIM 619360.
Plasminogen deficiency, type I. Also called: Hypoplasminogenemia; Type 1 plasminogen deficiency. Identifiers: Orphanet 722, MedGen C1968804, MONDO:0009009, OMIM 217090.

Allele frequency attached by ClinVar (database versions not stated): gnomAD exomes below 0.00001.
gnomAD v4.1: 1 of 1,613,940 alleles (0.000062%); highest among the groups gnomAD compares: East Asian, 0.0022%; no homozygotes.

Submissions (2):

Fulgent Genetics
Classification: Uncertain significance for Plasminogen deficiency, type I; Angioedema, hereditary, 4. Last evaluated: 2022-05-02. Review status: criteria provided, single submitter. Criteria: ACMG Guidelines, 2015. Collection method: clinical testing. Allele origin: unknown.

Women's Health and Genetics/Laboratory Corporation of America, LabCorp
Classification: Uncertain significance. Last evaluated: 2022-01-25. Review status: criteria provided, single submitter. Criteria: LabCorp Variant Classification Summary - May 2015. Collection method: clinical testing. Allele origin: germline.
Comment: Variant summary: PLG c.848A>G (p.Tyr283Cys) results in a non-conservative amino acid change located in the Kringle domain of the encoded protein sequence. Five of five in-silico tools predict a damaging effect of the variant on protein function. The variant was absent in 251396 control chromosomes. A different nucleotide change affecting the same codon (p.Y283S) has also been reported in association with Plasminogen deficiency (HGMG). To our knowledge, no experimental evidence demonstrating an impact on protein function has been reported. No clinical diagnostic laboratories have submitted clinical-significance assessments for this variant to ClinVar after 2014. Based on the evidence outlined above, the variant was classified as VUS-possibly pathogenic.

Literature cited by the submitters: PubMed 26340456 (cited by Women's Health and Genetics/Laboratory Corporation of America, LabCorp).